The following is an entry in ClinVar:

NM_017780.4(CHD7):c.6248C>T (p.Pro2083Leu)

Gene: CHD7 (chromodomain helicase DNA binding protein 7; plus strand). Cytogenetic location: 8q12.2.
Variant type: single nucleotide variant.
Coding change: c.6248C>T on transcript NM_017780.4 (MANE Select); coding-DNA position 6248, C replaced by T.
Protein change: p.Pro2083Leu; replaces proline 2083 with leucine.
Molecular consequence: missense variant. On other transcripts: intron variant (1).
Genome position (GRCh38, 1-based): chr8:60,852,973, C>T. VCF-style: chr8-60852973-C-T. GRCh37 (hg19) VCF-style: chr8-61765532-C-T.
Other names: c.1717-9256C>T (NM_001316690.1); short protein forms P2083L.
Identifiers: ClinVar variation 589691 (VCV000589691.15), dbSNP rs773859400, ClinGen allele CA4760558.
Genomic context (GRCh38, chr8:60,852,973, plus strand): 5'-AGATCCGCGAGCAGGTTCTCCATCACCCCCAGCTGGGAGAGAGGCTTAAGCTCTGCCAGC[C>T]AAGCTTGGATCTGCCAGAGTGGTGGGAGTGTGGACGGCATGACCGAGACTTGCTGGTTGG-3'
Protein context (NP_060250.2, residues 2073-2093): QLGERLKLCQ[Pro2083Leu]SLDLPEWWEC

ClinVar aggregate classification (germline): Conflicting classifications of pathogenicity. Review status: criteria provided, conflicting classifications (1 of 4 stars). 4 submissions from 4 submitters: Uncertain significance (2); Likely benign (2). Last evaluated 2026-08-05.

Conditions:
Inborn genetic diseases. Identifiers: MedGen C0950123, MeSH D030342.
CHD7-related disorder. Also called: CHD7-related condition.
CHARGE syndrome (CHARGE). Also called: Coloboma, heart anomaly, choanal atresia, retardation, genital and ear anomalies; CHARGE association; Hall-Hittner syndrome; Hittner Hirsch Kreh syndrome; CHARGE ASSOCIATION--COLOBOMA, HEART ANOMALY, CHOANAL ATRESIA, RETARDATION, GENITAL AND EAR ANOMALIES. Identifiers: Orphanet 138, MedGen C0265354, MONDO:0008965.
Hypogonadotropic hypogonadism 5 with or without anosmia (KAL5). Also called: HYPOGONADOTROPIC HYPOGONADISM 5 WITH ANOSMIA; HYPOGONADOTROPHIC HYPOGONADISM 5 WITHOUT ANOSMIA; CHD7-Related GnRH Deficiency (Kallmann Syndrome 5). Identifiers: Orphanet 478, MedGen C3552553, MONDO:0012880, OMIM 612370. Disease mechanism: loss of function.

Allele frequency attached by ClinVar (database versions not stated): ExAC 0.00002; gnomAD exomes 0.00002 and 0.00011; gnomAD 0.00004; TOPMed 0.00004.
gnomAD v4.1: 157 of 1,613,870 alleles (0.0097%); highest among the groups gnomAD compares: Non-Finnish European, 0.013%; no homozygotes.

Submissions (4):

PreventionGenetics, part of Exact Sciences
Classification: Uncertain significance for CHD7-related condition. Last evaluated: 2026-08-05. Review status: criteria provided, single submitter. Criteria: ACMG Guidelines, 2015. Collection method: clinical testing. Allele origin: germline.
Comment: The CHD7 c.6248C>T variant is predicted to result in the amino acid substitution p.Pro2083Leu. To our knowledge, this variant has not been reported in the literature. This variant is reported in 0.0055% of alleles in individuals of European (Non-Finnish) descent in gnomAD. At this time, the clinical significance of this variant is uncertain due to the absence of conclusive functional and genetic evidence.

Labcorp Genetics (formerly Invitae), Labcorp
Classification: Likely benign for CHARGE syndrome. Last evaluated: 2025-10-23. Review status: criteria provided, single submitter. Criteria: Invitae Variant Classification Sherloc (09022015). Collection method: clinical testing. Allele origin: germline.

Ambry Genetics
Classification: Likely benign for Inborn genetic diseases. Last evaluated: 2024-07-14. Review status: criteria provided, single submitter. Criteria: Ambry Variant Classification Scheme 2023. Collection method: clinical testing. Allele origin: germline.

Fulgent Genetics
Classification: Uncertain significance for CHD7-related CHARGE syndrome; Hypogonadotropic hypogonadism 5 with or without anosmia. Last evaluated: 2021-11-09. Review status: criteria provided, single submitter. Criteria: ACMG Guidelines, 2015. Collection method: clinical testing. Allele origin: unknown.